The following is an entry in ClinVar:

NM_001163435.3(TBCK):c.2411+6C>G

Gene: TBCK (TBC1 domain containing kinase; minus strand). Cytogenetic location: 4q24.
Variant type: single nucleotide variant.
Coding change: c.2411+6C>G on transcript NM_001163435.3 (MANE Select); 6 bases into the intron after coding-DNA position 2411, C replaced by G.
Molecular consequence: intron variant.
Genome position (GRCh38, 1-based): chr4:106,116,197, G>C on the plus strand (C>G on the coding strand, the complement: TBCK is on the minus strand). VCF-style: chr4-106116197-G-C. GRCh37 (hg19) VCF-style: chr4-107037354-G-C.
Other names: c.2411+6C>G (NM_001163436.4); c.2222+6C>G (NM_033115.5); c.2294+6C>G (NM_001163437.3); c.1895+6C>G (NM_001290768.2).
Identifiers: ClinVar variation 1502083 (VCV001502083.3), dbSNP rs199540190, ClinGen allele CA3034720.

ClinVar aggregate classification (germline): Uncertain significance (1 of 4 stars; one submission).

Allele frequency attached by ClinVar (database versions not stated): gnomAD 0.00002; gnomAD exomes 0.00004; ExAC 0.00007; ESP Exome Variant Server 0.00015.
gnomAD v4.1: 205 of 1,613,380 alleles (0.013%); highest among the groups gnomAD compares: Non-Finnish European, 0.017%; no homozygotes.

Submission:

Labcorp Genetics (formerly Invitae), Labcorp
Classification: Uncertain significance. Last evaluated: 2022-07-20. Review status: criteria provided, single submitter. Criteria: Invitae Variant Classification Sherloc (09022015). Collection method: clinical testing. Allele origin: germline.
Comment: This sequence change falls in intron 24 of the TBCK gene. It does not directly change the encoded amino acid sequence of the TBCK protein. It affects a nucleotide within the consensus splice site. This variant is present in population databases (rs199540190, gnomAD 0.01%). This variant has not been reported in the literature in individuals affected with TBCK-related conditions. ClinVar contains an entry for this variant (Variation ID: 1502083). Variants that disrupt the consensus splice site are a relatively common cause of aberrant splicing (PMID: 17576681, 9536098). Algorithms developed to predict the effect of sequence changes on RNA splicing suggest that this variant may disrupt the consensus splice site. In summary, the available evidence is currently insufficient to determine the role of this variant in disease. Therefore, it has been classified as a Variant of Uncertain Significance.

Literature cited by the submitters: PubMed 17576681; PubMed 9536098.